The following is an entry in ClinVar:

NM_003242.6(TGFBR2):c.1271A>T (p.Tyr424Phe)

Gene: TGFBR2 (transforming growth factor beta receptor 2; plus strand). Cytogenetic location: 3p24.1.
Variant type: single nucleotide variant.
Coding change: c.1271A>T on transcript NM_003242.6 (MANE Select); coding-DNA position 1271, A replaced by T.
Protein change: p.Tyr424Phe; replaces tyrosine 424 with phenylalanine.
Molecular consequence: missense variant. On other transcripts: intron variant (1).
Genome position (GRCh38, 1-based): chr3:30,674,121, A>T. VCF-style: chr3-30674121-A-T. GRCh37 (hg19) VCF-style: chr3-30715613-A-T.
Other names: c.1346A>T, p.Tyr449Phe (NM_001024847.3); c.1454A>T, p.Tyr485Phe (NM_001407126.1); c.1379A>T, p.Tyr460Phe (NM_001407127.1); c.1298A>T, p.Tyr433Phe (NM_001407128.1); c.1274A>T, p.Tyr425Phe (NM_001407129.1); c.1271A>T, p.Tyr424Phe (NM_001407130.1); c.1166A>T, p.Tyr389Phe (NM_001407132.1, NM_001407133.1, NM_001407134.1 and 2 more transcripts); c.986A>T, p.Tyr329Phe (NM_001407137.1); and 2 more; short protein forms Y425F, Y460F, Y389F, Y424F, Y449F, Y485F, Y433F, Y304F.
Identifiers: ClinVar variation 3635618 (VCV003635618.2).

ClinVar aggregate classification (germline): Likely pathogenic (1 of 4 stars; one submission).

Conditions:
Familial thoracic aortic aneurysm and aortic dissection (TAAD). Also called: Thoracic aortic aneurysms and dissections. Identifiers: Orphanet 91387, MedGen C4707243, MONDO:0019625.

Submission:

Labcorp Genetics (formerly Invitae), Labcorp
Classification: Likely pathogenic for Familial thoracic aortic aneurysm and aortic dissection. Last evaluated: 2024-03-14. Review status: criteria provided, single submitter. Criteria: Invitae Variant Classification Sherloc (09022015). Collection method: clinical testing. Allele origin: germline.
Comment: This sequence change replaces tyrosine, which is neutral and polar, with phenylalanine, which is neutral and non-polar, at codon 424 of the TGFBR2 protein (p.Tyr424Phe). This variant is not present in population databases (gnomAD no frequency). This missense change has been observed in individual(s) with TGFBR2-related conditions (Invitae). Advanced modeling of protein sequence and biophysical properties (such as structural, functional, and spatial information, amino acid conservation, physicochemical variation, residue mobility, and thermodynamic stability) performed at Invitae indicates that this missense variant is expected to disrupt TGFBR2 protein function with a positive predictive value of 95%. This variant disrupts the p.Tyr424 amino acid residue in TGFBR2. Other variant(s) that disrupt this residue have been determined to be pathogenic (PMID: 26301661; Invitae). This suggests that this residue is clinically significant, and that variants that disrupt this residue are likely to be disease-causing. In summary, the currently available evidence indicates that the variant is pathogenic, but additional data are needed to prove that conclusively. Therefore, this variant has been classified as Likely Pathogenic.

Literature cited by the submitters: PubMed 26301661.